The following is an entry in ClinVar:

NM_003620.4(PPM1D):c.1341G>T (p.Glu447Asp)

Gene: PPM1D (protein phosphatase, Mg2+/Mn2+ dependent 1D; plus strand). Cytogenetic location: 17q23.2.
Variant type: single nucleotide variant.
Coding change: c.1341G>T on transcript NM_003620.4 (MANE Select); coding-DNA position 1341, G replaced by T.
Protein change: p.Glu447Asp; replaces glutamic acid 447 with aspartic acid.
Molecular consequence: missense variant.
Genome position (GRCh38, 1-based): chr17:60,663,075, G>T. VCF-style: chr17-60663075-G-T. GRCh37 (hg19) VCF-style: chr17-58740436-G-T.
Other names: short protein forms E447D.
Identifiers: ClinVar variation 2901772 (VCV002901772.3), dbSNP rs769061997, ClinGen allele CA8687761.
Genomic context (GRCh38, chr17:60,663,075, plus strand): 5'-GCCAAGGGTGAATTCTAAGGACCATATACCTGCCCTGGTTCGTAGCAATGCCTTCTCAGA[G>T]AATTTTTTAGAGGTTTCAGCTGAGATAGCTCGAGAGAATGTCCAAGGTGTAGTCATACCC-3'
Protein context (NP_003611.1, residues 437-457): PALVRSNAFS[Glu447Asp]NFLEVSAEIA

ClinVar aggregate classification (germline): Uncertain significance (1 of 4 stars; one submission).

Allele frequency attached by ClinVar (database versions not stated): gnomAD exomes below 0.00001; ExAC 0.00001; gnomAD 0.00001; TOPMed 0.00001.
gnomAD v4.1: 10 of 1,614,000 alleles (0.00062%); highest among the groups gnomAD compares: East Asian, 0.0022%; no homozygotes.

Submission:

Labcorp Genetics (formerly Invitae), Labcorp
Classification: Uncertain significance. Last evaluated: 2024-04-08. Review status: criteria provided, single submitter. Criteria: Invitae Variant Classification Sherloc (09022015). Collection method: clinical testing. Allele origin: germline.
Comment: This sequence change replaces glutamic acid, which is acidic and polar, with aspartic acid, which is acidic and polar, at codon 447 of the PPM1D protein (p.Glu447Asp). This variant is present in population databases (rs769061997, gnomAD 0.002%). This variant has not been reported in the literature in individuals affected with PPM1D-related conditions. An algorithm developed to predict the effect of missense changes on protein structure and function (PolyPhen-2) suggests that this variant is likely to be tolerated. In summary, the available evidence is currently insufficient to determine the role of this variant in disease. Therefore, it has been classified as a Variant of Uncertain Significance.